The following is an entry in ClinVar:

ClinVar aggregate classification (germline): Uncertain significance. Review status: criteria provided, multiple submitters, no conflicts (2 of 4 stars). 2 submissions from 2 submitters: Uncertain significance (2). Last evaluated 2026-01-08.

gnomAD v4.1: 78 of 1,611,408 alleles (0.0048%); highest among the groups gnomAD compares: Admixed American, 0.1%; no homozygotes.

Submissions (2):

Labcorp Genetics (formerly Invitae), Labcorp
Classification: Uncertain significance. Last evaluated: 2026-01-08. Review status: criteria provided, single submitter. Criteria: Invitae Variant Classification Sherloc (09022015). Collection method: clinical testing. Allele origin: germline.
Comment: This sequence change replaces arginine, which is basic and polar, with cysteine, which is neutral and slightly polar, at codon 297 of the LIPI protein (p.Arg297Cys). This variant is present in population databases (rs776684144, gnomAD 0.1%), and has an allele count higher than expected for a pathogenic variant. This variant has not been reported in the literature in individuals affected with LIPI-related conditions. ClinVar contains an entry for this variant (Variation ID: 4047520). An algorithm developed to predict the effect of missense changes on protein structure and function (PolyPhen-2) suggests that this variant is likely to be disruptive. In summary, the available evidence is currently insufficient to determine the role of this variant in disease. Therefore, it has been classified as a Variant of Uncertain Significance.

Ambry Genetics
Classification: Uncertain significance. Last evaluated: 2025-06-09. Review status: criteria provided, single submitter. Criteria: Ambry Variant Classification Scheme 2023. Collection method: clinical testing. Allele origin: germline.

NM_001302998.2(LIPI):c.826C>T (p.Arg276Cys)

Gene: LIPI (lipase I; minus strand). Cytogenetic location: 21q11.2.
Variant type: single nucleotide variant.
Coding change: c.826C>T on transcript NM_001302998.2 (MANE Select); coding-DNA position 826, C replaced by T.
Protein change: p.Arg276Cys; replaces arginine 276 with cysteine.
Molecular consequence: missense variant. On other transcripts: intron variant (1).
Genome position (GRCh38, 1-based): chr21:14,165,298, G>A on the plus strand (C>T on the coding strand, the complement: LIPI is on the minus strand). VCF-style: chr21-14165298-G-A. GRCh37 (hg19) VCF-style: chr21-15537619-G-A.
Other names: c.736C>T, p.Arg246Cys (NM_001302999.2); c.826C>T, p.Arg276Cys (NM_001303000.2, NM_001303001.2); c.331C>T, p.Arg111Cys (NM_001379566.1); c.691C>T, p.Arg231Cys (NM_198996.4); c.734-13C>T (NM_001379565.1); short protein forms R111C, R231C, R276C, R246C.
Identifiers: ClinVar variation 4047520 (VCV004047520.2).